The following is an entry in ClinVar:

ClinVar aggregate classification (germline): Pathogenic/Likely pathogenic. Review status: criteria provided, multiple submitters, no conflicts (2 of 4 stars). 2 submissions from 2 submitters: Pathogenic (1); Likely pathogenic (1). Last evaluated 2024-06-10.

Conditions:
3-methylcrotonyl-CoA carboxylase 2 deficiency. Also called: 3 alpha methylcrotonyl-CoA carboxylase 2 deficiency; 3 alpha methylcrotonylglycinuria 2; MCC 2 deficiency; Methylcrotonylglycinuria type 2; METHYLCROTONYLGLYCINURIA, TYPE II. Identifiers: Orphanet 6, MedGen C1859499, MONDO:0008862, OMIM 210210.

Submissions (2):

Myriad Genetics, Inc.
Classification: Pathogenic for 3-methylcrotonyl-CoA carboxylase 2 deficiency. Last evaluated: 2024-06-10. Review status: criteria provided, single submitter. Criteria: Myriad Autosomal Dominant, Autosomal Recessive and X-Linked Classification Criteria (2023). Collection method: clinical testing. Allele origin: unknown.
Comment: NM_022132.4(MCCC2):c.1378A>T(R460*) is expected to be pathogenic in the context of 3-methylcrotonyl-CoA carboxylase deficiency, MCCC2-related. This variant is predicted to lead to an abnormal or absent protein product due to the creation of a premature termination codon in MCCC2, a gene where loss-of-function variants are known to be pathogenic. Please note: this variant was assessed in the context of healthy population screening.

Baylor Genetics
Classification: Likely pathogenic for 3-methylcrotonyl-CoA carboxylase 2 deficiency. Last evaluated: 2022-09-19. Review status: criteria provided, single submitter. Criteria: ACMG Guidelines, 2015. Collection method: clinical testing. Allele origin: unknown.

NM_022132.5(MCCC2):c.1378A>T (p.Arg460Ter)

Gene: MCCC2 (methylcrotonyl-CoA carboxylase subunit 2; plus strand). Cytogenetic location: 5q13.2.
Variant type: single nucleotide variant.
Coding change: c.1378A>T on transcript NM_022132.5 (MANE Select); coding-DNA position 1378, A replaced by T.
Protein change: p.Arg460Ter; replaces arginine 460 with a stop codon.
Molecular consequence: nonsense.
Genome position (GRCh38, 1-based): chr5:71,650,073, A>T. VCF-style: chr5-71650073-A-T. GRCh37 (hg19) VCF-style: chr5-70945900-A-T.
Other names: c.1264A>T, p.Arg422Ter (NM_001363147.1); short protein forms R422*, R460*.
Identifiers: ClinVar variation 2676496 (VCV002676496.2), dbSNP rs2530859869, ClinGen allele CA359998614.